The following is an entry in ClinVar:

NM_001267550.2(TTN):c.66401dup (p.Asn22134fs)

Genes: TTN (titin; minus strand), TTN-AS1 (TTN antisense RNA 1; plus strand). Cytogenetic location: 2q31.2.
Variant type: Duplication.
Coding change: c.66401dup on transcript NM_001267550.2 (MANE Select); coding-DNA position 66401, one base duplicated (A; older notation c.66401dupA).
Protein change: p.Asn22134fs; shifts the reading frame from asparagine 22134.
Molecular consequence: frameshift variant.
Genome position (GRCh38, 1-based): chr2:178,581,968, T duplicated on the plus strand (A on the coding strand, the reverse complement: TTN is on the minus strand); the first of 3 consecutive T bases (chr2:178,581,968-178,581,970); duplicating any one gives the same sequence. VCF-style (leftmost placement, unchanged base first): chr2-178581967-A-AT. GRCh37 (hg19) VCF-style: chr2-179446694-A-AT.
Other names: c.61478dup, p.Asn20493fs (NM_001256850.1); c.39206dup, p.Asn13069fs (NM_003319.4); c.58697dup, p.Asn19566fs (NM_133378.4); c.39581dup, p.Asn13194fs (NM_133432.3); c.39782dup, p.Asn13261fs (NM_133437.4); c.39206dupA (NM_003319.4); short protein forms N13194fs, N20493fs, N22134fs, N13069fs, N19566fs, N13261fs.
Identifiers: ClinVar variation 3812318 (VCV003812318.1).

ClinVar aggregate classification (germline): Likely pathogenic (1 of 4 stars; one submission).

Conditions:
Cardiovascular phenotype. Identifiers: MedGen CN230736.

Submission:

Ambry Genetics
Classification: Likely pathogenic for Cardiovascular phenotype. Last evaluated: 2025-01-10. Review status: criteria provided, single submitter. Criteria: Ambry Variant Classification Scheme 2023. Collection method: clinical testing. Allele origin: germline.
Comment: The c.39206dupA (p.N13069Kfs*2) alteration, located in exon 143 (coding exon 142) of the TTN gene, consists of a duplication of A at position 39206, causing a translational frameshift with a predicted alternate stop codon after 2 amino acids. This alteration is expected to result in loss of function by premature protein truncation or nonsense-mediated mRNA decay. This variant was not reported in population-based cohorts in the Genome Aggregation Database (gnomAD). This exon is located in the A-band region of the N2-B isoform of the titin protein and is constitutively expressed in TTN transcripts (percent spliced in or PSI 100%). Based on the available evidence, this alteration is classified as likely pathogenic.

Literature cited by the submitters: PubMed 22335739; PubMed 25589632; PubMed 27869827.